The following is an entry in ClinVar:

NM_001042492.3(NF1):c.8067G>T (p.Val2689=)

Gene: NF1 (neurofibromin 1; plus strand). Cytogenetic location: 17q11.2.
Variant type: single nucleotide variant.
Coding change: c.8067G>T on transcript NM_001042492.3 (MANE Select); coding-DNA position 8067, G replaced by T.
Protein change: p.Val2689=; no amino-acid change (valine 2689 retained).
Molecular consequence: synonymous variant.
Genome position (GRCh38, 1-based): chr17:31,358,576, G>T. VCF-style: chr17-31358576-G-T. GRCh37 (hg19) VCF-style: chr17-29685594-G-T.
Other names: c.8004G>T, p.Val2668= (NM_000267.4).
Identifiers: ClinVar variation 1151153 (VCV001151153.8), dbSNP rs2151585058, ClinGen allele CA499345333.

ClinVar aggregate classification (germline): Benign/Likely benign. Review status: criteria provided, multiple submitters, no conflicts (2 of 4 stars). 2 submissions from 2 submitters: Benign (1); Likely benign (1). Last evaluated 2026-05-22.

Conditions:
Neurofibromatosis, type 1 (NF1). Also called: Peripheral type neurofibromatosis; NEUROFIBROMATOSIS, TYPE I, SOMATIC; VON RECKLINGHAUSEN DISEASE; Neurofibromatosis, type I. Identifiers: Orphanet 636, MedGen C0027831, MONDO:0018975, OMIM 162200. Disease mechanism: loss of function.

gnomAD v4.1: 1 of 1,613,912 alleles (0.000062%); highest among the groups gnomAD compares: Non-Finnish European, 0.000085%; no homozygotes.

Submissions (2):

Myriad Genetics, Inc.
Classification: Benign for Neurofibromatosis, type 1. Last evaluated: 2026-05-22. Review status: criteria provided, single submitter. Criteria: Myriad Autosomal Dominant, Autosomal Recessive and X-Linked Classification Criteria (2023). Collection method: clinical testing. Allele origin: unknown.
Comment: This variant is considered benign. This variant is a silent/synonymous amino acid change and it is not expected to impact splicing.

Labcorp Genetics (formerly Invitae), Labcorp
Classification: Likely benign for Neurofibromatosis, type 1. Last evaluated: 2023-06-16. Review status: criteria provided, single submitter. Criteria: Invitae Variant Classification Sherloc (09022015). Collection method: clinical testing. Allele origin: germline.